The following is an entry in ClinVar:

ClinVar aggregate classification (germline): Uncertain significance (1 of 4 stars; one submission).

Allele frequency attached by ClinVar (database versions not stated): ExAC 0.00002; gnomAD exomes 0.00002 and 0.00004; ESP Exome Variant Server 0.00008; gnomAD 0.00009 and 0.00011; TOPMed 0.00010.
gnomAD v4.1: 41 of 1,614,078 alleles (0.0025%); highest among the groups gnomAD compares: African/African-American, 0.023%; no homozygotes.

Submission:

Labcorp Genetics (formerly Invitae), Labcorp
Classification: Uncertain significance. Last evaluated: 2025-02-24. Review status: criteria provided, single submitter. Criteria: Invitae Variant Classification Sherloc (09022015). Collection method: clinical testing. Allele origin: germline.
Comment: This sequence change replaces lysine, which is basic and polar, with glutamic acid, which is acidic and polar, at codon 709 of the RHOBTB2 protein (p.Lys709Glu). This variant is present in population databases (rs374421851, gnomAD 0.02%). This variant has not been reported in the literature in individuals affected with RHOBTB2-related conditions. ClinVar contains an entry for this variant (Variation ID: 1412239). Invitae Evidence Modeling of protein sequence and biophysical properties (such as structural, functional, and spatial information, amino acid conservation, physicochemical variation, residue mobility, and thermodynamic stability) indicates that this missense variant is not expected to disrupt RHOBTB2 protein function with a negative predictive value of 80%. In summary, the available evidence is currently insufficient to determine the role of this variant in disease. Therefore, it has been classified as a Variant of Uncertain Significance.

NM_015178.3(RHOBTB2):c.2059A>G (p.Lys687Glu)

Gene: RHOBTB2 (Rho related BTB domain containing 2; plus strand). Cytogenetic location: 8p21.3.
Variant type: single nucleotide variant.
Coding change: c.2059A>G on transcript NM_015178.3 (MANE Select); coding-DNA position 2059, A replaced by G.
Protein change: p.Lys687Glu; replaces lysine 687 with glutamic acid.
Molecular consequence: missense variant.
Genome position (GRCh38, 1-based): chr8:23,017,344, A>G. VCF-style: chr8-23017344-A-G. GRCh37 (hg19) VCF-style: chr8-22874857-A-G.
Other names: c.2125A>G, p.Lys709Glu (NM_001160036.2); c.2080A>G, p.Lys694Glu (NM_001160037.2); c.2059A>G, p.Lys687Glu (NM_001374791.1); short protein forms K709E, K687E, K694E.
Identifiers: ClinVar variation 1412239 (VCV001412239.6), dbSNP rs374421851, ClinGen allele CA4672853.
Genomic context (GRCh38, chr8:23,017,344, plus strand): 5'-CCACCTGTGTGGTACCTGAAGGAGGAAGATCATTACCAGCGGGCACGGAAGGAGCGTGAG[A>G]AGGAGGACTACCTCCACCTCAAGCGGCAGCCCAAACGGCGTTGGCTCTTCTGGAACAGTC-3'
Protein context (NP_055993.2, residues 677-697): HYQRARKERE[Lys687Glu]EDYLHLKRQP